The following is an entry in ClinVar:

NM_006206.6(PDGFRA):c.2881-4A>G

Gene: PDGFRA (platelet derived growth factor receptor alpha; plus strand). Cytogenetic location: 4q12.
Variant type: single nucleotide variant.
Coding change: c.2881-4A>G on transcript NM_006206.6 (MANE Select); 4 bases into the intron before coding-DNA position 2881, A replaced by G.
Molecular consequence: intron variant.
Genome position (GRCh38, 1-based): chr4:54,290,309, A>G. VCF-style: chr4-54290309-A-G. GRCh37 (hg19) VCF-style: chr4-55156476-A-G.
Other names: c.2956-4A>G (NM_001347828.2); c.2881-4A>G (NM_001347829.2); c.2920-4A>G (NM_001347830.2).
Identifiers: ClinVar variation 4876058 (VCV004876058.1).

ClinVar aggregate classification (germline): Likely benign (1 of 4 stars; one submission).

Conditions:
Polyps, multiple and recurrent inflammatory fibroid, gastrointestinal. Identifiers: MedGen C5193005, MONDO:0008285, OMIM 175510.

Submission:

Myriad Genetics, Inc.
Classification: Likely benign for Polyps, multiple and recurrent inflammatory fibroid, gastrointestinal. Last evaluated: 2026-06-15. Review status: criteria provided, single submitter. Criteria: Myriad Autosomal Dominant, Autosomal Recessive and X-Linked Classification Criteria (2023). Collection method: clinical testing. Allele origin: unknown.
Comment: This variant is considered likely benign. This variant is intronic and is not expected to impact mRNA splicing.